The following is an entry in ClinVar:

ClinVar aggregate classification (germline): Uncertain significance. Review status: criteria provided, multiple submitters, no conflicts (2 of 4 stars). 2 submissions from 2 submitters: Uncertain significance (2). Last evaluated 2024-02-09.

Conditions:
Neurofibromatosis, type 2 (SWNV). Also called: SCHWANNOMATOSIS, VESTIBULAR; BILATERAL ACOUSTIC NEUROFIBROMATOSIS; NF2-Related Schwannomatosis. Identifiers: Orphanet 637, MedGen C0027832, MONDO:0007039, OMIM 101000. Disease mechanism: loss of function.
Hereditary cancer-predisposing syndrome. Also called: Tumor predisposition; Hereditary Cancer Syndrome; Hereditary neoplastic syndrome; Neoplastic Syndromes, Hereditary. Identifiers: Orphanet 140162, MedGen C0027672, MeSH D009386, MONDO:0015356.

Allele frequency attached by ClinVar (database versions not stated): gnomAD exomes below 0.00001.
gnomAD v4.1: 1 of 1,614,012 alleles (0.000062%); highest among the groups gnomAD compares: Non-Finnish European, 0.000085%; no homozygotes.

Submissions (2):

Ambry Genetics
Classification: Uncertain significance for Hereditary cancer-predisposing syndrome. Last evaluated: 2024-02-09. Review status: criteria provided, single submitter. Criteria: Ambry Variant Classification Scheme 2023. Collection method: clinical testing. Allele origin: germline.
Comment: The p.V526M variant (also known as c.1576G>A), located in coding exon 15 of the NF2 gene, results from a G to A substitution at nucleotide position 1576. The valine at codon 526 is replaced by methionine, an amino acid with highly similar properties. This amino acid position is well conserved in available vertebrate species. In addition, the in silico prediction for this alteration is inconclusive. Based on the available evidence, the clinical significance of this alteration remains unclear.

Labcorp Genetics (formerly Invitae), Labcorp
Classification: Uncertain significance for Neurofibromatosis, type 2. Last evaluated: 2022-07-27. Review status: criteria provided, single submitter. Criteria: Invitae Variant Classification Sherloc (09022015). Collection method: clinical testing. Allele origin: germline.
Comment: This sequence change replaces valine, which is neutral and non-polar, with methionine, which is neutral and non-polar, at codon 526 of the NF2 protein (p.Val526Met). This variant is not present in population databases (gnomAD no frequency). This missense change has been observed in individual(s) with neurofibromatosis, type 2 (PMID: 27704245). Algorithms developed to predict the effect of missense changes on protein structure and function are either unavailable or do not agree on the potential impact of this missense change (SIFT: "Tolerated"; PolyPhen-2: "Possibly Damaging"; Align-GVGD: "Class C0"). In summary, the available evidence is currently insufficient to determine the role of this variant in disease. Therefore, it has been classified as a Variant of Uncertain Significance.

Literature cited by the submitters: PubMed 27704245 (cited by Labcorp Genetics (formerly Invitae), Labcorp).

NM_000268.4(NF2):c.1576G>A (p.Val526Met)

Gene: NF2 (NF2, moesin-ezrin-radixin like (MERLIN) tumor suppressor; plus strand). Cytogenetic location: 22q12.2.
Variant type: single nucleotide variant.
Coding change: c.1576G>A on transcript NM_000268.4 (MANE Select); coding-DNA position 1576, G replaced by A.
Protein change: p.Val526Met; replaces valine 526 with methionine.
Molecular consequence: missense variant. On other transcripts: non-coding transcript variant (1), intron variant (1).
Genome position (GRCh38, 1-based): chr22:29,681,440, G>A. VCF-style: chr22-29681440-G-A. GRCh37 (hg19) VCF-style: chr22-30077429-G-A.
Other names: c.1462G>A, p.Val488Met (NM_001407053.1, NM_001407056.1); c.1453G>A, p.Val485Met (NM_001407054.1, NM_001407058.1, NM_181829.3); c.1450G>A, p.Val484Met (NM_001407055.1, NM_181828.3); c.1441G>A, p.Val481Met (NM_001407057.1, NM_001407059.1); c.1318G>A, p.Val440Met (NM_001407062.1); c.1327G>A, p.Val443Met (NM_001407063.1, NM_181830.3, NM_181831.3); c.1042G>A, p.Val348Met (NM_001407065.1); c.1576G>A, p.Val526Met (NM_001407066.1, NM_016418.5, NM_181825.3 and 1 more transcripts); and 2 more; short protein forms V348M, V440M, V443M, V449M, V481M, V484M, V485M, V488M.
Identifiers: ClinVar variation 2421460 (VCV002421460.6), dbSNP rs2518733649, ClinGen allele CA411149987.